The following is an entry in ClinVar:

NM_005228.5(EGFR):c.1881-656T>C

Gene: EGFR (epidermal growth factor receptor; plus strand). Cytogenetic location: 7p11.2.
Variant type: single nucleotide variant.
Coding change: c.1881-656T>C on transcript NM_005228.5 (MANE Select); 656 bases into the intron before coding-DNA position 1881, T replaced by C.
Molecular consequence: intron variant. On other transcripts: missense variant (1).
Genome position (GRCh38, 1-based): chr7:55,170,519, T>C. VCF-style: chr7-55170519-T-C. GRCh37 (hg19) VCF-style: chr7-55238212-T-C.
Other names: c.2093T>C, p.Ile698Thr (NM_201284.2); c.1746-656T>C (NM_001346899.2, NM_001346897.2); c.1080-656T>C (NM_001346941.2); c.1881-656T>C (NM_001346898.2); c.1722-656T>C (NM_001346900.2); short protein forms I698T.
Identifiers: ClinVar variation 5035756 (VCV005035756.1).
Genomic context (GRCh38, chr7:55,170,519, plus strand): 5'-AGTTTCAGCTGGGTTGGGGTGGATGCAGCCACCTCCATGCCTGGCCTTCTGCATCTGTGA[T>C]CATCACGGCCTCCTCCTGCCACTGAGCCTCATGCCTTCACGTGTCTGTTCCCCCCGCTTT-3'

ClinVar aggregate classification (germline): Uncertain significance (1 of 4 stars; one submission).

Conditions:
Hereditary cancer-predisposing syndrome. Also called: Hereditary Cancer Syndrome; Neoplastic Syndromes, Hereditary; Tumor predisposition; Hereditary neoplastic syndrome. Identifiers: Orphanet 140162, MedGen C0027672, MeSH D009386, MONDO:0015356.

gnomAD v4.1: 20 of 1,613,602 alleles (0.0012%); highest among the groups gnomAD compares: East Asian, 0.011%; no homozygotes.

Submission:

Ambry Genetics
Classification: Uncertain significance for Hereditary cancer-predisposing syndrome. Last evaluated: 2026-07-07. Review status: criteria provided, single submitter. Criteria: Ambry Variant Classification Scheme 2023. Collection method: clinical testing. Allele origin: germline.
Comment: The p.I698T variant (also known as c.2093T>C), located in coding exon 16 of the EGFR gene, results from a T to C substitution at nucleotide position 2093. The isoleucine at codon 698 is replaced by threonine, an amino acid with similar properties. This amino acid position is conserved. In addition, this alteration is predicted to be tolerated by in silico analysis. Based on the available evidence, the clinical significance of this variant remains unclear.